The following is an entry in ClinVar:

ClinVar aggregate classification (germline): Uncertain significance. Review status: criteria provided, multiple submitters, no conflicts (2 of 4 stars). 2 submissions from 2 submitters: Uncertain significance (2). Last evaluated 2022-06-27.

gnomAD v4.1: 4 of 1,613,926 alleles (0.00025%); highest among the groups gnomAD compares: Middle Eastern, 0.017%; no homozygotes.

Submissions (2):

GeneDx
Classification: Uncertain significance. Last evaluated: 2022-06-27. Review status: criteria provided, single submitter. Criteria: GeneDx Variant Classification Process June 2021. Collection method: clinical testing. Allele origin: germline. Affected: yes.
Comment: Not observed at significant frequency in large population cohorts (gnomAD); In silico analysis supports that this missense variant does not alter protein structure/function; Has not been previously published as pathogenic or benign to our knowledge

Women's Health and Genetics/Laboratory Corporation of America, LabCorp
Classification: Uncertain significance. Last evaluated: 2021-11-06. Review status: criteria provided, single submitter. Criteria: LabCorp Variant Classification Summary - May 2015. Collection method: clinical testing. Allele origin: germline.
Comment: Variant summary: NEB c.10175G>A (p.Arg3392Lys) results in a conservative amino acid change in the encoded protein sequence. Five of five in-silico tools predict a benign effect of the variant on protein function. The variant was absent in 248888 control chromosomes. The available data on variant occurrences in the general population are insufficient to allow any conclusion about variant significance. To our knowledge, no occurrence of c.10175G>A in individuals affected with Nemaline Myopathy 2 and no experimental evidence demonstrating its impact on protein function have been reported. No clinical diagnostic laboratories have submitted clinical-significance assessments for this variant to ClinVar after 2014. Based on the evidence outlined above, the variant was classified as uncertain significance.

NM_001164508.2(NEB):c.10175G>A (p.Arg3392Lys)

Gene: NEB (nebulin; minus strand). Cytogenetic location: 2q23.3.
Variant type: single nucleotide variant.
Coding change: c.10175G>A on transcript NM_001164508.2 (MANE Select); coding-DNA position 10175, G replaced by A.
Protein change: p.Arg3392Lys; replaces arginine 3392 with lysine.
Molecular consequence: missense variant.
Genome position (GRCh38, 1-based): chr2:151,627,174, C>T on the plus strand (G>A on the coding strand, the complement: NEB is on the minus strand). VCF-style: chr2-151627174-C-T. GRCh37 (hg19) VCF-style: chr2-152483688-C-T.
Other names: c.10175G>A, p.Arg3392Lys (NM_001164507.2, NM_001271208.2); c.9446G>A, p.Arg3149Lys (NM_004543.5); short protein forms R3149K, R3392K.
Identifiers: ClinVar variation 1329007 (VCV001329007.3), dbSNP rs2154058460, ClinGen allele CA348793527.